The following is an entry in ClinVar:

NM_006017.3(PROM1):c.1928C>G (p.Ala643Gly)

Gene: PROM1 (prominin 1; minus strand). Cytogenetic location: 4p15.32.
Variant type: single nucleotide variant.
Coding change: c.1928C>G on transcript NM_006017.3 (MANE Select); coding-DNA position 1928, C replaced by G.
Protein change: p.Ala643Gly; replaces alanine 643 with glycine.
Molecular consequence: missense variant.
Genome position (GRCh38, 1-based): chr4:15,991,277, G>C on the plus strand (C>G on the coding strand, the complement: PROM1 is on the minus strand). VCF-style: chr4-15991277-G-C. GRCh37 (hg19) VCF-style: chr4-15992900-G-C.
Other names: c.1901C>G, p.Ala634Gly (NM_001145847.2, NM_001145848.2, NM_001145851.2 and 4 more transcripts); c.1928C>G, p.Ala643Gly (NM_001145849.2, NM_001145850.2); short protein forms A643G, A634G.
Identifiers: ClinVar variation 287074 (VCV000287074.60), dbSNP rs62617075, ClinGen allele CA2866581.

ClinVar aggregate classification (germline): Conflicting classifications of pathogenicity. Review status: criteria provided, conflicting classifications (1 of 4 stars). 10 submissions from 7 submitters: Uncertain significance (5); Benign (1); Likely benign (3). 1 of the submissions does not count toward it. Last evaluated 2026-10-16.

Conditions:
PROM1-related disorder. Also called: PROM1-related condition; PROM1-related disorders.
Retinitis pigmentosa (RP). Identifiers: Orphanet 791, MedGen C0035334, MeSH D012174, MONDO:0019200, OMIM 268000. Inheritance: Autosomal dominant, autosomal recessive and X linked inheritance.
Stargardt disease 4 (STGD4). Identifiers: Orphanet 827, MedGen C1863534, MONDO:0011370, OMIM 603786.
Retinal macular dystrophy type 2 (MCDR2). Also called: Bull's eye macular dystrophy. Identifiers: Orphanet 319640, MedGen C4749334, MONDO:0011957, OMIM 608051.
Cone-rod dystrophy 12 (CORD12). Identifiers: Orphanet 1872, MedGen C2675210, MONDO:0012983, OMIM 612657.

Allele frequency attached by ClinVar (database versions not stated): TOPMed 0.00053; ESP Exome Variant Server 0.00059; gnomAD 0.00060 and 0.00065; ExAC 0.00065.
gnomAD v4.1: 1,122 of 1,604,138 alleles (0.07%); highest among the groups gnomAD compares: Non-Finnish European, 0.086%; 1 homozygote.

Submissions (10):

GeneDx
Classification: Uncertain significance. Last evaluated: 2026-10-16. Review status: criteria provided, single submitter. Criteria: GeneDx Variant Classification Process June 2021. Collection method: clinical testing. Allele origin: germline.
Comment: Identified in patients in the published literature with retinitis pigmentosa or Stargardt disease; however, these individuals also had variant(s) in other genes that may have also contributed to their phenotypes (PMID: 23591405, 28095140); In silico analysis suggests that this missense variant does not alter protein structure/function; This variant is associated with the following publications: (PMID: 28095140, 36284670, 23591405)

Labcorp Genetics (formerly Invitae), Labcorp
Classification: Uncertain significance. Last evaluated: 2025-12-19. Review status: criteria provided, single submitter. Criteria: Invitae Variant Classification Sherloc (09022015). Collection method: clinical testing. Allele origin: germline.
Comment: This sequence change replaces alanine, which is neutral and non-polar, with glycine, which is neutral and non-polar, at codon 643 of the PROM1 protein (p.Ala643Gly). This variant is present in population databases (rs62617075, gnomAD 0.09%), and has an allele count higher than expected for a pathogenic variant. This variant has not been reported in the literature in individuals affected with PROM1-related conditions. ClinVar contains an entry for this variant (Variation ID: 287074). Invitae Evidence Modeling of protein sequence and biophysical properties (such as structural, functional, and spatial information, amino acid conservation, physicochemical variation, residue mobility, and thermodynamic stability) indicates that this missense variant is not expected to disrupt PROM1 protein function with a negative predictive value of 80%. In summary, the available evidence is currently insufficient to determine the role of this variant in disease. Therefore, it has been classified as a Variant of Uncertain Significance.

Blueprint Genetics
Classification: Likely benign. Last evaluated: 2024-11-17. Review status: criteria provided, single submitter. Criteria: ACMG Guidelines, 2015. Collection method: clinical testing. Allele origin: germline.

CeGaT Center for Human Genetics Tuebingen
Classification: Likely benign. Last evaluated: 2023-09-01. Review status: criteria provided, single submitter. Criteria: CeGaT Center For Human Genetics Tuebingen Variant Classification Criteria Version 2. Collection method: clinical testing. Allele origin: germline. Affected: yes. Observed: 2 variant alleles.
Comment: PROM1: BP4

Illumina Laboratory Services, Illumina
Classification: Likely benign for Stargardt disease 4. Last evaluated: 2018-01-13. Review status: criteria provided, single submitter. Criteria: ICSL Variant Classification Criteria 13 December 2019. Collection method: clinical testing. Allele origin: germline.
Comment: This variant was observed in the ICSL laboratory as part of a predisposition screen in an ostensibly healthy population. It had not been previously curated by ICSL or reported in the Human Gene Mutation Database (HGMD: prior to June 1st, 2018), and was therefore a candidate for classification through an automated scoring system. Utilizing variant allele frequency, disease prevalence and penetrance estimates, and inheritance mode, an automated score was calculated to assess if this variant is too frequent to cause the disease. Based on the score and internal cut-off values, a variant classified as likely benign is not then subjected to further curation. The score for this variant resulted in a classification of likely benign for this disease.

Illumina Laboratory Services, Illumina
Classification: Benign for Cone-rod dystrophy 12. Last evaluated: 2018-01-13. Review status: criteria provided, single submitter. Criteria: ICSL Variant Classification Criteria 13 December 2019. Collection method: clinical testing. Allele origin: germline.
Comment: This variant was observed in the ICSL laboratory as part of a predisposition screen in an ostensibly healthy population. It had not been previously curated by ICSL or reported in the Human Gene Mutation Database (HGMD: prior to June 1st, 2018), and was therefore a candidate for classification through an automated scoring system. Utilizing variant allele frequency, disease prevalence and penetrance estimates, and inheritance mode, an automated score was calculated to assess if this variant is too frequent to cause the disease. Based on the score and internal cut-off values, a variant classified as benign is not then subjected to further curation. The score for this variant resulted in a classification of benign for this disease.

Illumina Laboratory Services, Illumina
Classification: Uncertain significance for Retinal macular dystrophy type 2. Last evaluated: 2018-01-13. Review status: criteria provided, single submitter. Criteria: ICSL Variant Classification Criteria 13 December 2019. Collection method: clinical testing. Allele origin: germline.

Illumina Laboratory Services, Illumina
Classification: Uncertain significance for Retinitis pigmentosa. Last evaluated: 2018-01-13. Review status: criteria provided, single submitter. Criteria: ICSL Variant Classification Criteria 13 December 2019. Collection method: clinical testing. Allele origin: germline.

Eurofins Ntd Llc (ga)
Classification: Uncertain significance. Last evaluated: 2016-03-23. Review status: criteria provided, single submitter. Criteria: EGL Classification Definitions 2015. Collection method: clinical testing. Allele origin: germline. Observed: 2 variant alleles, 2 heterozygotes.

PreventionGenetics, part of Exact Sciences
Classification: Uncertain significance for PROM1-related condition. Last evaluated: 2024-09-16. Review status: no assertion criteria provided. Collection method: clinical testing. Allele origin: germline. Not counted in ClinVar's aggregate classification.
Comment: The PROM1 c.1928C>G variant is predicted to result in the amino acid substitution p.Ala643Gly. This variant has been reported in individuals with retinitis pigmentosa or Stargardt disease (Supplementary table 6, Glöckle et al 2014. PubMed ID: 23591405; Salles MV et al 2017. PubMed ID: 28095140); however, these individuals also had variants in other genes. This variant is reported in 0.10% of alleles in individuals of European (Non-Finnish) descent in gnomAD. Although we suspect that this variant may be benign, at this time, the clinical significance of this variant is uncertain due to the absence of conclusive functional and genetic evidence.